The following is an entry in ClinVar:

ClinVar aggregate classification (germline): Likely benign (1 of 4 stars; one submission).

Conditions:
NEK2-related disorder. Also called: NEK2-related condition.

Submission:

PreventionGenetics, part of Exact Sciences
Classification: Likely benign for NEK2-related condition. Last evaluated: 2026-09-15. Review status: criteria provided, single submitter. Criteria: ACMG Guidelines, 2015. Collection method: clinical testing. Allele origin: germline.
Comment: This variant is classified as likely benign based on ACMG/AMP sequence variant interpretation guidelines (Richards et al. 2015 PMID: 25741868, with internal and published modifications).

NM_001204182.2(NEK2):c.1112-9_1112-8dup

Gene: NEK2 (NIMA related kinase 2; minus strand). Cytogenetic location: 1q32.3.
Variant type: Duplication.
Coding change: c.1112-9_1112-8dup on transcript NM_001204182.2; 9 bases into the intron before coding-DNA position 1112 through 8 bases into the intron before coding-DNA position 1112, 2 bases duplicated (TT; older notation c.1112-9_1112-8dupTT).
Molecular consequence: intron variant.
Genome position (GRCh38, 1-based): chr1:211,658,720-211,658,721, AA duplicated on the plus strand (TT on the coding strand, the reverse complement: NEK2 is on the minus strand); duplicating any 2 consecutive bases within chr1:211,658,720-211,658,748 gives the same sequence; the c. name uses the placement nearest the transcript's 3' end. VCF-style (leftmost placement, unchanged base first): chr1-211658719-C-CAA. GRCh37 (hg19) VCF-style: chr1-211832061-C-CAA.
Identifiers: ClinVar variation 4981160 (VCV004981160.1).
Genomic context (GRCh38, chr1:211,658,719, plus strand): 5'-ACATTGAGCTGTGATCACACCACTGCATTCCAGCCTGGGCAACAAAGTGAGACTCTATCT[C>CAA]AAAAAAAAAAAAAAAAAAAAAAAAAAAAAGGAAAGAAAAAAAAAGAAATAGGTCAAGAAG-3'